The following is an entry in ClinVar:

NM_001385641.1(SAMD11):c.775C>G (p.Arg259Gly)

Gene: SAMD11 (sterile alpha motif domain containing 11; plus strand). Cytogenetic location: 1p36.33.
Variant type: single nucleotide variant.
Coding change: c.775C>G on transcript NM_001385641.1 (MANE Select); coding-DNA position 775, C replaced by G.
Protein change: p.Arg259Gly; replaces arginine 259 with glycine.
Molecular consequence: missense variant.
Genome position (GRCh38, 1-based): chr1:930,320, C>G. VCF-style: chr1-930320-C-G. GRCh37 (hg19) VCF-style: chr1-865700-C-G.
Other names: c.775C>G, p.Arg259Gly (NM_001385640.1); c.238C>G, p.Arg80Gly (NM_152486.4); short protein forms R259G, R80G.
Identifiers: ClinVar variation 1359546 (VCV001359546.8), dbSNP rs116730894, ClinGen allele CA337792808.
Genomic context (GRCh38, chr1:930,320, plus strand): 5'-GGGAGTGGCCCCACCTGTGGGCGGCGGCCAGGCTTGAAGCAGGAGGATGGTCCGCACATC[C>G]GTATCATGAAGAGAAGGTACTTGGACCAGGGCCGGACAGGAAGGCGCAAGGCTCAGATGG-3'
Protein context (NP_001372570.1, residues 249-269): GLKQEDGPHI[Arg259Gly]IMKRRVHTHW

ClinVar aggregate classification (germline): Uncertain significance (1 of 4 stars; one submission).

Submission:

Labcorp Genetics (formerly Invitae), Labcorp
Classification: Uncertain significance. Last evaluated: 2022-10-13. Review status: criteria provided, single submitter. Criteria: Invitae Variant Classification Sherloc (09022015). Collection method: clinical testing. Allele origin: germline.
Comment: In summary, the available evidence is currently insufficient to determine the role of this variant in disease. Therefore, it has been classified as a Variant of Uncertain Significance. Algorithms developed to predict the effect of missense changes on protein structure and function (SIFT, PolyPhen-2, Align-GVGD) all suggest that this variant is likely to be tolerated. ClinVar contains an entry for this variant (Variation ID: 1359546). This variant has not been reported in the literature in individuals affected with SAMD11-related conditions. This variant is not present in population databases (gnomAD no frequency). This sequence change replaces arginine, which is basic and polar, with glycine, which is neutral and non-polar, at codon 80 of the SAMD11 protein (p.Arg80Gly).